The following is an entry in ClinVar:

NM_000152.5(GAA):c.1755-186A>G

Gene: GAA (alpha glucosidase; plus strand). Cytogenetic location: 17q25.3.
Variant type: single nucleotide variant.
Coding change: c.1755-186A>G on transcript NM_000152.5 (MANE Select); 186 bases into the intron before coding-DNA position 1755, A replaced by G.
Molecular consequence: intron variant.
Genome position (GRCh38, 1-based): chr17:80,112,392, A>G. VCF-style: chr17-80112392-A-G. GRCh37 (hg19) VCF-style: chr17-78086191-A-G.
Other names: c.1755-186A>G (NM_001079803.3, NM_001079804.3).
Identifiers: ClinVar variation 1179918 (VCV001179918.4), dbSNP rs62075593, ClinGen allele CA294896129.

ClinVar aggregate classification (germline): Benign/Likely benign. Review status: criteria provided, multiple submitters, no conflicts (2 of 4 stars). 3 submissions from 3 submitters: Benign (1); Likely benign (2). Last evaluated 2026-07-01.

Conditions:
Glycogen storage disease, type II (IOPD). Also called: CARDIOMEGALIA GLYCOGENICA DIFFUSA; GLYCOGENOSIS, GENERALIZED, CARDIAC FORM; GSD II; Glycogen storage disease type 2; Acid maltase deficiency disease; Aglucosidase alfa. Identifiers: Orphanet 365, MedGen C0017921, MONDO:0009290, OMIM 232300.

Allele frequency attached by ClinVar (database versions not stated): 1000 Genomes Project 0.01577; 1000 Genomes Project 30x 0.01624; TOPMed 0.02393; gnomAD 0.02562 and 0.02597; gnomAD exomes 0.03203.
gnomAD v4.1: 22,679 of 738,518 alleles (3.1%); highest among the groups gnomAD compares: Non-Finnish European, 3.6%; 433 homozygotes.

Submissions (3):

Genomenon, Inc
Classification: Benign for Glycogen storage disease, type II. Last evaluated: 2026-07-01. Review status: criteria provided, single submitter. Criteria: Genomenon Sequence Variant Interpretation Standards - Updated. Collection method: curation. Allele origin: germline. Affected: no.
Comment: GAA c.1755-186A>G is an intronic variant located in intron 12. This variant is present at high allele frequency in population databases. We classify GAA c.1755-186A>G as a benign variant.

GeneDx
Classification: Likely benign. Last evaluated: 2018-06-26. Review status: criteria provided, single submitter. Criteria: GeneDx Variant Classification Process June 2021. Collection method: clinical testing. Allele origin: germline. Affected: yes.

Breakthrough Genomics
Classification: Likely benign. Review status: criteria provided, single submitter. Criteria: ACMG Guidelines, 2015. Collection method: not provided. Allele origin: germline. Inheritance: Autosomal recessive inheritance. Affected: yes.